The following is an entry in ClinVar:

NM_032193.4(RNASEH2C):c.483dup (p.Pro162fs)

Gene: RNASEH2C (ribonuclease H2 subunit C; minus strand). Cytogenetic location: 11q13.1.
Variant type: Duplication.
Coding change: c.483dup on transcript NM_032193.4 (MANE Select); coding-DNA position 483, one base duplicated (G; older notation c.483dupG).
Protein change: p.Pro162fs; shifts the reading frame from proline 162.
Molecular consequence: frameshift variant.
Genome position (GRCh38, 1-based): chr11:65,719,795, C duplicated on the plus strand (G on the coding strand, the reverse complement: RNASEH2C is on the minus strand). VCF-style (leftmost placement, unchanged base first): chr11-65719794-G-GC. GRCh37 (hg19) VCF-style: chr11-65487265-G-GC.
Other names: c.483dupG (NM_032193.3); short protein forms P162fs.
Identifiers: ClinVar variation 2629894 (VCV002629894.3), dbSNP rs1309770134, ClinGen allele CA600228983.

ClinVar aggregate classification (germline): Uncertain significance. Review status: criteria provided, multiple submitters, no conflicts (2 of 4 stars). 2 submissions from 2 submitters: Uncertain significance (2). Last evaluated 2023-05-01.

Conditions:
RNASEH2C-related disorder. Also called: RNASEH2C-related condition.

Allele frequency attached by ClinVar (database versions not stated): gnomAD 0.00001; gnomAD exomes 0.00001.

Submissions (2):

PreventionGenetics, part of Exact Sciences
Classification: Uncertain significance for RNASEH2C-related condition. Last evaluated: 2023-05-01. Review status: criteria provided, single submitter. Criteria: ACMG Guidelines, 2015. Collection method: clinical testing. Allele origin: germline.
Comment: The RNASEH2C c.483dupG variant is predicted to result in a frameshift and protein elongation (p.Pro162Alafs*9). To our knowledge, this variant has not been reported in the literature. This variant is reported in 0.013% of alleles in individuals of South Asian descent in gnomAD. Although we suspect that this variant may be pathogenic, at this time, the clinical significance of this variant is uncertain due to the absence of conclusive functional and genetic evidence.

Blueprint Genetics
Classification: Uncertain significance. Last evaluated: 2020-11-09. Review status: criteria provided, single submitter. Criteria: ACMG Guidelines, 2015. Collection method: clinical testing. Allele origin: germline.